The following is an entry in ClinVar:

NM_006587.4(CORIN):c.1997C>T (p.Ala666Val)

Gene: CORIN (corin, serine peptidase; minus strand). Cytogenetic location: 4p12.
Variant type: single nucleotide variant.
Coding change: c.1997C>T on transcript NM_006587.4 (MANE Select); coding-DNA position 1997, C replaced by T.
Protein change: p.Ala666Val; replaces alanine 666 with valine.
Molecular consequence: missense variant.
Genome position (GRCh38, 1-based): chr4:47,643,217, G>A on the plus strand (C>T on the coding strand, the complement: CORIN is on the minus strand). VCF-style: chr4-47643217-G-A. GRCh37 (hg19) VCF-style: chr4-47645234-G-A.
Other names: c.1685C>T, p.Ala562Val (NM_001278585.2); c.1886C>T, p.Ala629Val (NM_001278586.2); short protein forms A666V, A629V, A562V.
Identifiers: ClinVar variation 5002690 (VCV005002690.1).
Genomic context (GRCh38, chr4:47,643,217, plus strand): 5'-TCATCTGAACTGTCTGAGCAGTCGGCTTCACCATCACACCACAGGTCACGTGACACACAC[G>A]CATGGTTTGCACATTCCAGCTCATCATCTTGGCAAAATGCTGGCATGGGGAACAAAAAGT-3'
Protein context (NP_006578.2, residues 656-676): QDDELECANH[Ala666Val]CVSRDLWCDG

ClinVar aggregate classification (germline): Uncertain significance (1 of 4 stars; one submission).

Conditions:
Cardiomyopathy, familial hypertrophic, 30, atrial (CMH30). Identifiers: MedGen C5935586, MONDO:0958241, OMIM 620734.

gnomAD v4.1: 21 of 1,613,458 alleles (0.0013%); highest among the groups gnomAD compares: Middle Eastern, 0.017%; no homozygotes.

Submission:

OLLIN Analises Genomicas, OLLIN
Classification: Uncertain significance for Cardiomyopathy, familial hypertrophic, 30, atrial. Last evaluated: 2026-08-06. Review status: criteria provided, single submitter. Criteria: ACMG Guidelines 2015 PMID 25741868. Collection method: clinical testing. Allele origin: germline. Inheritance: Autosomal recessive inheritance.
Comment: This missense variant, located in exon 15 (of 22), has been observed in gnomAD with an allele frequency of 0.0013%, but has not been reported in ClinVar or identified in the literature. In silico analysis is inconclusive regarding the impact of this variant. According to the currently available evidence, this variant has been classified as uncertain significance (PM2_P).